The following is an entry in ClinVar:

NM_002113.3(CFHR1):c.552G>T (p.Gly184=)

Gene: CFHR1 (complement factor H related 1; plus strand). Cytogenetic location: 1q31.3.
Variant type: single nucleotide variant.
Coding change: c.552G>T on transcript NM_002113.3 (MANE Select); coding-DNA position 552, G replaced by T.
Protein change: p.Gly184=; no amino-acid change (glycine 184 retained).
Molecular consequence: synonymous variant.
Genome position (GRCh38, 1-based): chr1:196,828,191, G>T. VCF-style: chr1-196828191-G-T. GRCh37 (hg19) VCF-style: chr1-196797321-G-T.
Other names: p.Gly184=; c.501G>T, p.Gly167= (NM_001379306.1); c.390G>T, p.Gly130= (NM_001379307.1); c.387G>T, p.Gly129= (NM_001379308.1); c.384G>T, p.Gly128= (NM_001379309.1); c.357G>T, p.Gly119= (NM_001379310.1); c.348G>T, p.Gly116= (NM_001379311.1); c.309G>T, p.Gly103= (NM_001379312.1).
Identifiers: ClinVar variation 4683965 (VCV004683965.1).

ClinVar aggregate classification (germline): Likely benign (1 of 4 stars; one submission).

gnomAD v4.1: 4 of 1,244,776 alleles (0.00032%); highest among the groups gnomAD compares: African/African-American, 0.0057%; 1 homozygote.

Submission:

Mayo Clinic Laboratories, Mayo Clinic
Classification: Likely benign. Last evaluated: 2025-07-17. Review status: criteria provided, single submitter. Criteria: ACMG Guidelines, 2015. Collection method: clinical testing. Allele origin: germline. Observed: 1 variant allele.
Comment: BP4, BP7, PM2_supporting